The following is an entry in ClinVar:

NM_182961.4(SYNE1):c.16294C>T (p.Arg5432Trp)

Gene: SYNE1 (spectrin repeat containing nuclear envelope protein 1; minus strand). Cytogenetic location: 6q25.2.
Variant type: single nucleotide variant.
Coding change: c.16294C>T on transcript NM_182961.4 (MANE Select); coding-DNA position 16294, C replaced by T.
Protein change: p.Arg5432Trp; replaces arginine 5432 with tryptophan.
Molecular consequence: missense variant.
Genome position (GRCh38, 1-based): chr6:152,318,958, G>A on the plus strand (C>T on the coding strand, the complement: SYNE1 is on the minus strand). VCF-style: chr6-152318958-G-A. GRCh37 (hg19) VCF-style: chr6-152640093-G-A.
Other names: c.16081C>T, p.Arg5361Trp (NM_033071.5); short protein forms R5432W, R5361W.
Identifiers: ClinVar variation 1360847 (VCV001360847.8), dbSNP rs575137601, ClinGen allele CA4055552.

ClinVar aggregate classification (germline): Uncertain significance (1 of 4 stars; one submission).

Conditions:
Autosomal recessive ataxia, Beauce type. Also called: SYNE1-Related Autosomal Recessive Cerebellar Ataxia; SYNE1 Deficiency; Spinocerebellar ataxia, autosomal recessive 8; ATAXIA, RECESSIVE, OF BEAUCE. Identifiers: Orphanet 88644, MedGen C1853116, MONDO:0012549, OMIM 610743.
Emery-Dreifuss muscular dystrophy 4, autosomal dominant (EDMD4). Also called: EMERY-DREIFUSS MUSCULAR DYSTROPHY 4 WITH VARIABLE FEATURES. Identifiers: Orphanet 261, MedGen C2751807, MONDO:0013071, OMIM 612998.

Allele frequency attached by ClinVar (database versions not stated): gnomAD 0.00002 and 0.00001; ExAC 0.00003; TOPMed below 0.00001; gnomAD exomes 0.00003; 1000 Genomes Project 30x 0.00016; 1000 Genomes Project 0.00020.
gnomAD v4.1: 30 of 1,614,122 alleles (0.0019%); highest among the groups gnomAD compares: South Asian, 0.012%; no homozygotes.

Submission:

Labcorp Genetics (formerly Invitae), Labcorp
Classification: Uncertain significance for Emery-Dreifuss muscular dystrophy 4, autosomal dominant; Autosomal recessive ataxia, Beauce type. Last evaluated: 2021-04-22. Review status: criteria provided, single submitter. Criteria: Invitae Variant Classification Sherloc (09022015). Collection method: clinical testing. Allele origin: germline.
Comment: Algorithms developed to predict the effect of missense changes on protein structure and function are either unavailable or do not agree on the potential impact of this missense change (SIFT: "Deleterious"; PolyPhen-2: "Possibly Damaging"; Align-GVGD: "Class C0"). In summary, the available evidence is currently insufficient to determine the role of this variant in disease. Therefore, it has been classified as a Variant of Uncertain Significance. This variant has not been reported in the literature in individuals with SYNE1-related conditions. This variant is present in population databases (rs575137601, ExAC 0.02%). This sequence change replaces arginine with tryptophan at codon 5361 of the SYNE1 protein (p.Arg5361Trp). The arginine residue is weakly conserved and there is a moderate physicochemical difference between arginine and tryptophan.